The following is an entry in ClinVar:

NM_000138.5(FBN1):c.7880G>C (p.Gly2627Ala)

Gene: FBN1 (fibrillin 1; minus strand). Cytogenetic location: 15q21.1.
Variant type: single nucleotide variant.
Coding change: c.7880G>C on transcript NM_000138.5 (MANE Select); coding-DNA position 7880, G replaced by C.
Protein change: p.Gly2627Ala; replaces glycine 2627 with alanine.
Molecular consequence: missense variant.
Genome position (GRCh38, 1-based): chr15:48,415,707, C>G on the plus strand (G>C on the coding strand, the complement: FBN1 is on the minus strand). VCF-style: chr15-48415707-C-G. GRCh37 (hg19) VCF-style: chr15-48707904-C-G.
Other names: short protein forms G2627A.
Identifiers: ClinVar variation 1516484 (VCV001516484.9), dbSNP rs1555393875, ClinGen allele CA392323341.

ClinVar aggregate classification (germline): Conflicting classifications of pathogenicity. Review status: criteria provided, conflicting classifications (1 of 4 stars). 2 submissions from 2 submitters: Likely pathogenic (1); Uncertain significance (1). Last evaluated 2026-05-06.

Conditions:
Marfan syndrome (MFS). Also called: MARFAN SYNDROME, TYPE I; Marfan syndrome type 1; Marfan's syndrome; Marfan syndrome, classic; FBN1-Related Marfan Syndrome. Identifiers: Orphanet 284963, Orphanet 558, MedGen C0024796, MONDO:0007947, OMIM 154700.
Familial thoracic aortic aneurysm and aortic dissection (TAAD). Also called: Thoracic aortic aneurysms and dissections. Identifiers: Orphanet 91387, MedGen C4707243, MONDO:0019625.

Submissions (2):

Ambry Genetics
Classification: Uncertain significance for Familial thoracic aortic aneurysm and aortic dissection. Last evaluated: 2026-05-06. Review status: criteria provided, single submitter. Criteria: Ambry Variant Classification Scheme 2023. Collection method: clinical testing. Allele origin: germline.
Comment: The p.G2627A variant (also known as c.7880G>C), located in coding exon 63 of the FBN1 gene, results from a G to C substitution at nucleotide position 7880. The glycine at codon 2627 is replaced by alanine, an amino acid with similar properties. This amino acid position is highly conserved in available vertebrate species. In addition, this alteration is predicted to be deleterious by in silico analysis. Based on the available evidence, the clinical significance of this variant remains unclear.

Labcorp Genetics (formerly Invitae), Labcorp
Classification: Likely pathogenic for Marfan syndrome; Familial thoracic aortic aneurysm and aortic dissection. Last evaluated: 2021-08-16. Review status: criteria provided, single submitter. Criteria: Invitae Variant Classification Sherloc (09022015). Collection method: clinical testing. Allele origin: germline.
Comment: This sequence change replaces glycine with alanine at codon 2627 of the FBN1 protein (p.Gly2627Ala). The glycine residue is highly conserved and there is a small physicochemical difference between glycine and alanine. This variant is not present in population databases (ExAC no frequency). This variant has not been reported in the literature in individuals affected with FBN1-related conditions. Advanced modeling of protein sequence and biophysical properties (such as structural, functional, and spatial information, amino acid conservation, physicochemical variation, residue mobility, and thermodynamic stability) performed at Invitae indicates that this missense variant is expected to disrupt FBN1 protein function. This variant disrupts the p.Gly2627 amino acid residue in FBN1. Other variant(s) that disrupt this residue have been determined to be pathogenic (PMID: 7977366, 19839986; Invitae). This suggests that this residue is clinically significant, and that variants that disrupt this residue are likely to be disease-causing. In summary, the currently available evidence indicates that the variant is pathogenic, but additional data are needed to prove that conclusively. Therefore, this variant has been classified as Likely Pathogenic.

Literature cited by the submitters: PubMed 7977366 (cited by Labcorp Genetics (formerly Invitae), Labcorp); PubMed 19839986 (cited by Labcorp Genetics (formerly Invitae), Labcorp).